The following is an entry in ClinVar:

NM_001128636.4(ELFN1):c.1854C>T (p.Asp618=)

Gene: ELFN1 (extracellular leucine rich repeat and fibronectin type III domain containing 1; plus strand). Cytogenetic location: 7p22.3.
Variant type: single nucleotide variant.
Coding change: c.1854C>T on transcript NM_001128636.4 (MANE Select); coding-DNA position 1854, C replaced by T.
Protein change: p.Asp618=; no amino-acid change (aspartic acid 618 retained).
Molecular consequence: synonymous variant.
Genome position (GRCh38, 1-based): chr7:1,746,450, C>T. VCF-style: chr7-1746450-C-T. GRCh37 (hg19) VCF-style: chr7-1786086-C-T.
Other names: c.1854C>T, p.Asp618= (NM_001394187.1, NM_001394188.1).
Identifiers: ClinVar variation 749077 (VCV000749077.6), dbSNP rs546443014, ClinGen allele CA4122565.

ClinVar aggregate classification (germline): Likely benign. Review status: criteria provided, multiple submitters, no conflicts (2 of 4 stars). 3 submissions from 3 submitters: Likely benign (3). Last evaluated 2026-05-01.

Allele frequency attached by ClinVar (database versions not stated): ExAC below 0.00001; 1000 Genomes Project 30x 0.00016; 1000 Genomes Project 0.00020; TOPMed 0.00062; gnomAD exomes 0.00083; gnomAD 0.00142 and 0.00151.
gnomAD v4.1: 1,645 of 1,527,502 alleles (0.11%); highest among the groups gnomAD compares: Non-Finnish European, 0.11%; 2 homozygotes.

Submissions (3):

CeGaT Center for Human Genetics Tuebingen
Classification: Likely benign. Last evaluated: 2026-05-01. Review status: criteria provided, single submitter. Criteria: CeGaT Center For Human Genetics Tuebingen Variant Classification Criteria Version 2. Collection method: clinical testing. Allele origin: germline. Affected: yes. Observed: 1 variant allele.
Comment: ELFN1: BP4, BP7

Labcorp Genetics (formerly Invitae), Labcorp
Classification: Likely benign. Last evaluated: 2018-06-06. Review status: criteria provided, single submitter. Criteria: Invitae Variant Classification Sherloc (09022015). Collection method: clinical testing. Allele origin: germline.

Breakthrough Genomics
Classification: Likely benign. Review status: criteria provided, single submitter. Criteria: ACMG Guidelines, 2015. Collection method: not provided. Allele origin: germline. Inheritance: Unknown mechanism. Affected: yes.